The following is an entry in ClinVar:

ClinVar aggregate classification (germline): Uncertain significance (1 of 4 stars; one submission).

Submission:

GeneDx
Classification: Uncertain significance. Last evaluated: 2026-06-15. Review status: criteria provided, single submitter. Criteria: GeneDx Variant Classification Process June 2021. Collection method: clinical testing. Allele origin: germline.
Comment: Has not been previously published as pathogenic or benign to our knowledge; Not observed at significant frequency in large population cohorts (gnomAD); In silico analysis supports that this missense variant has a deleterious effect on protein structure/function; In silico analysis suggests this variant may impact gene splicing. In the absence of RNA/functional studies, the actual effect of this sequence change is unknown.

NM_005445.4(SMC3):c.2431A>G (p.Asn811Asp)

Gene: SMC3 (structural maintenance of chromosomes 3; plus strand). Cytogenetic location: 10q25.2.
Variant type: single nucleotide variant.
Coding change: c.2431A>G on transcript NM_005445.4 (MANE Select); coding-DNA position 2431, A replaced by G.
Protein change: p.Asn811Asp; replaces asparagine 811 with aspartic acid.
Molecular consequence: missense variant.
Genome position (GRCh38, 1-based): chr10:110,600,442, A>G. VCF-style: chr10-110600442-A-G. GRCh37 (hg19) VCF-style: chr10-112360200-A-G.
Other names: short protein forms N811D.
Identifiers: ClinVar variation 3366174 (VCV003366174.2).